The following is an entry in ClinVar:

NM_001127222.2(CACNA1A):c.6341C>T (p.Thr2114Ile)

Gene: CACNA1A (calcium voltage-gated channel subunit alpha1 A; minus strand). Cytogenetic location: 19p13.13.
Variant type: single nucleotide variant.
Coding change: c.6341C>T on transcript NM_001127222.2 (MANE Select); coding-DNA position 6341, C replaced by T.
Protein change: p.Thr2114Ile; replaces threonine 2114 with isoleucine.
Molecular consequence: missense variant.
Genome position (GRCh38, 1-based): chr19:13,209,497, G>A on the plus strand (C>T on the coding strand, the complement: CACNA1A is on the minus strand). VCF-style: chr19-13209497-G-A. GRCh37 (hg19) VCF-style: chr19-13320311-G-A.
Other names: c.6359C>T, p.Thr2120Ile (NM_000068.4, NM_023035.3); c.6344C>T, p.Thr2115Ile (NM_001127221.2); c.6350C>T, p.Thr2117Ile (NM_001174080.2); short protein forms T2114I, T2115I, T2117I, T2120I.
Identifiers: ClinVar variation 2439635 (VCV002439635.4), dbSNP rs2512521136, ClinGen allele CA404331190.

ClinVar aggregate classification (germline): Uncertain significance. Review status: criteria provided, multiple submitters, no conflicts (2 of 4 stars). 2 submissions from 2 submitters: Uncertain significance (2). Last evaluated 2024-03-29.

gnomAD v4.1: 1 of 1,310,436 alleles (0.000076%); highest among the groups gnomAD compares: Non-Finnish European, 0.000098%; no homozygotes.

Submissions (2):

GeneDx
Classification: Uncertain significance. Last evaluated: 2024-03-29. Review status: criteria provided, single submitter. Criteria: GeneDx Variant Classification Process June 2021. Collection method: clinical testing. Allele origin: germline. Affected: yes.
Comment: Not observed at significant frequency in large population cohorts (gnomAD); In silico analysis supports that this missense variant has a deleterious effect on protein structure/function; Has not been previously published as pathogenic or benign to our knowledge

Revvity Omics, Revvity
Classification: Uncertain significance. Last evaluated: 2021-06-17. Review status: criteria provided, single submitter. Criteria: ACMG Guidelines, 2015. Collection method: clinical testing. Allele origin: germline.